The following is an entry in ClinVar:

ClinVar aggregate classification (germline): Uncertain significance. Review status: criteria provided, multiple submitters, no conflicts (2 of 4 stars). 2 submissions from 2 submitters: Uncertain significance (2). Last evaluated 2024-06-24.

Conditions:
Hypertrophic cardiomyopathy. Also called: HYPERTROPHIC MYOCARDIOPATHY. Identifiers: Orphanet 217569, MedGen C0007194, MeSH D002312, MONDO:0005045, HP:0001639.

Submissions (2):

Labcorp Genetics (formerly Invitae), Labcorp
Classification: Uncertain significance for Hypertrophic cardiomyopathy. Last evaluated: 2024-06-24. Review status: criteria provided, single submitter. Criteria: Invitae Variant Classification Sherloc (09022015). Collection method: clinical testing. Allele origin: germline.
Comment: This sequence change replaces tyrosine, which is neutral and polar, with aspartic acid, which is acidic and polar, at codon 525 of the MYBPC3 protein (p.Tyr525Asp). This variant is not present in population databases (gnomAD no frequency). This variant has not been reported in the literature in individuals affected with MYBPC3-related conditions. ClinVar contains an entry for this variant (Variation ID: 1215375). An algorithm developed to predict the effect of missense changes on protein structure and function (PolyPhen-2) suggests that this variant is likely to be disruptive. This variant disrupts the p.Tyr525 amino acid residue in MYBPC3. Other variant(s) that disrupt this residue have been observed in individuals with MYBPC3-related conditions (PMID: 33782553), which suggests that this may be a clinically significant amino acid residue. In summary, the available evidence is currently insufficient to determine the role of this variant in disease. Therefore, it has been classified as a Variant of Uncertain Significance.

GeneDx
Classification: Uncertain significance. Last evaluated: 2023-07-26. Review status: criteria provided, single submitter. Criteria: GeneDx Variant Classification Process June 2021. Collection method: clinical testing. Allele origin: germline. Affected: yes.
Comment: Has not been previously published as pathogenic or benign to our knowledge; Not observed at significant frequency in large population cohorts (gnomAD); In silico analysis supports that this missense variant has a deleterious effect on protein structure/function

Literature cited by the submitters: PubMed 33782553 (cited by Labcorp Genetics (formerly Invitae), Labcorp).

NM_000256.3(MYBPC3):c.1573T>G (p.Tyr525Asp)

Gene: MYBPC3 (myosin binding protein C3; minus strand). Cytogenetic location: 11p11.2.
Variant type: single nucleotide variant.
Coding change: c.1573T>G on transcript NM_000256.3 (MANE Select); coding-DNA position 1573, T replaced by G.
Protein change: p.Tyr525Asp; replaces tyrosine 525 with aspartic acid.
Molecular consequence: missense variant.
Genome position (GRCh38, 1-based): chr11:47,342,629, A>C on the plus strand (T>G on the coding strand, the complement: MYBPC3 is on the minus strand). VCF-style: chr11-47342629-A-C. GRCh37 (hg19) VCF-style: chr11-47364180-A-C.
Other names: short protein forms Y525D.
Identifiers: ClinVar variation 1215375 (VCV001215375.7), dbSNP rs1555122164, ClinGen allele CA380325075.